The following is an entry in ClinVar:

ClinVar aggregate classification (germline): Pathogenic (1 of 4 stars; one submission).

Allele frequency attached by ClinVar (database versions not stated): gnomAD 0.00001.

Submission:

Labcorp Genetics (formerly Invitae), Labcorp
Classification: Pathogenic. Last evaluated: 2022-10-04. Review status: criteria provided, single submitter. Criteria: Invitae Variant Classification Sherloc (09022015). Collection method: clinical testing. Allele origin: germline.
Comment: For these reasons, this variant has been classified as Pathogenic. Algorithms developed to predict the effect of sequence changes on RNA splicing suggest that this variant may disrupt the consensus splice site. This variant has not been reported in the literature in individuals affected with KIZ-related conditions. This variant is not present in population databases (gnomAD no frequency). This sequence change creates a premature translational stop signal (p.Arg83*) in the KIZ gene. It is expected to result in an absent or disrupted protein product. Loss-of-function variants in KIZ are known to be pathogenic (PMID: 24680887, 29057815).

Literature cited by the submitters: PubMed 24680887; PubMed 29057815.

NM_018474.6(KIZ):c.247C>T (p.Arg83Ter)

Genes: KIZ (kizuna centrosomal protein; plus strand), LOC130065509 (ATAC-STARR-seq lymphoblastoid active region 17619; plus strand). Cytogenetic location: 20p11.23.
Variant type: single nucleotide variant.
Coding change: c.247C>T on transcript NM_018474.6 (MANE Select); coding-DNA position 247, C replaced by T.
Protein change: p.Arg83Ter; replaces arginine 83 with a stop codon.
Molecular consequence: nonsense. On other transcripts: 5 prime UTR variant (1), intron variant (4).
Genome position (GRCh38, 1-based): chr20:21,136,484, C>T. VCF-style: chr20-21136484-C-T. GRCh37 (hg19) VCF-style: chr20-21117125-C-T.
Other names: c.247C>T, p.Arg83Ter (NM_001352434.2); c.-140C>T (NM_001352436.2); c.169-9081C>T (NM_001276389.2); c.6+4325C>T (NM_001163022.3, NM_001352435.2, NM_001163023.3); short protein forms R83*.
Identifiers: ClinVar variation 1933998 (VCV001933998.5), dbSNP rs2032195039, ClinGen allele CA408488536.